The following is an entry in ClinVar:

ClinVar aggregate classification (germline): Uncertain significance. Review status: criteria provided, multiple submitters, no conflicts (2 of 4 stars). 2 submissions from 2 submitters: Uncertain significance (2). Last evaluated 2020-06-03.

Conditions:
Tuberous sclerosis 2 (TSC2). Identifiers: Orphanet 805, MedGen C1860707, MONDO:0013199, OMIM 613254.

Submissions (2):

Baylor Genetics
Classification: Uncertain significance for Tuberous sclerosis 2. Last evaluated: 2020-06-03. Review status: criteria provided, single submitter. Criteria: ACMG Guidelines, 2015. Collection method: clinical testing. Allele origin: unknown. Affected: yes.
Comment: This variant was determined to be of uncertain significance according to ACMG Guidelines, 2015 [PMID:25741868].

Genomic Medicine Center of Excellence, King Faisal Specialist Hospital and Research Centre
Classification: Uncertain significance for Tuberous sclerosis 2. Review status: criteria provided, single submitter. Criteria: ACMG Guidelines, 2015. Collection method: research. Allele origin: germline.

NM_000548.5(TSC2):c.2222T>G (p.Leu741Arg)

Gene: TSC2 (TSC complex subunit 2; plus strand). Cytogenetic location: 16p13.3.
Variant type: single nucleotide variant.
Coding change: c.2222T>G on transcript NM_000548.5 (MANE Select); coding-DNA position 2222, T replaced by G.
Protein change: p.Leu741Arg; replaces leucine 741 with arginine.
Molecular consequence: missense variant.
Genome position (GRCh38, 1-based): chr16:2,072,850, T>G. VCF-style: chr16-2072850-T-G. GRCh37 (hg19) VCF-style: chr16-2122851-T-G.
Other names: c.2222T>G, p.Leu741Arg (NM_001077183.3, NM_001114382.3, NM_001363528.2 and 3 more transcripts); c.2111T>G, p.Leu704Arg (NM_001318827.2); c.2075T>G, p.Leu692Arg (NM_001318829.2); c.1622T>G, p.Leu541Arg (NM_001318831.2); c.2255T>G, p.Leu752Arg (NM_001318832.2); c.1622T>G (NM_001318831.1); short protein forms L541R, L692R, L704R, L741R, L752R.
Identifiers: ClinVar variation 1028341 (VCV001028341.3), dbSNP rs2088681390, ClinGen allele CA394276174.